The following is an entry in ClinVar:

ClinVar aggregate classification (germline): Uncertain significance. Review status: criteria provided, multiple submitters, no conflicts (2 of 4 stars). 2 submissions from 2 submitters: Uncertain significance (2). Last evaluated 2024-04-22.

Conditions:
Cardiovascular phenotype. Identifiers: MedGen CN230736.
RASopathy. Also called: Noonan spectrum disorder; rasopathies. Identifiers: Orphanet 536391, MedGen C5555857, MONDO:0021060.

Allele frequency attached by ClinVar (database versions not stated): gnomAD exomes below 0.00001; ExAC 0.00001; gnomAD 0.00001; TOPMed 0.00002.
gnomAD v4.1: 4 of 1,614,066 alleles (0.00025%); highest among the groups gnomAD compares: Admixed American, 0.0017%; no homozygotes.

Submissions (2):

Labcorp Genetics (formerly Invitae), Labcorp
Classification: Uncertain significance for RASopathy. Last evaluated: 2024-04-22. Review status: criteria provided, single submitter. Criteria: Invitae Variant Classification Sherloc (09022015). Collection method: clinical testing. Allele origin: germline.
Comment: This sequence change replaces proline, which is neutral and non-polar, with arginine, which is basic and polar, at codon 510 of the CBL protein (p.Pro510Arg). This variant is present in population databases (rs776055321, gnomAD 0.0009%). This variant has not been reported in the literature in individuals affected with CBL-related conditions. ClinVar contains an entry for this variant (Variation ID: 934571). Advanced modeling of protein sequence and biophysical properties (such as structural, functional, and spatial information, amino acid conservation, physicochemical variation, residue mobility, and thermodynamic stability) performed at Invitae indicates that this missense variant is not expected to disrupt CBL protein function with a negative predictive value of 95%. In summary, the available evidence is currently insufficient to determine the role of this variant in disease. Therefore, it has been classified as a Variant of Uncertain Significance.

Ambry Genetics
Classification: Uncertain significance for Cardiovascular phenotype. Last evaluated: 2023-11-03. Review status: criteria provided, single submitter. Criteria: Ambry Variant Classification Scheme 2023. Collection method: clinical testing. Allele origin: germline.

NM_005188.4(CBL):c.1529C>G (p.Pro510Arg)

Gene: CBL (Cbl proto-oncogene; plus strand). Cytogenetic location: 11q23.3.
Variant type: single nucleotide variant.
Coding change: c.1529C>G on transcript NM_005188.4 (MANE Select); coding-DNA position 1529, C replaced by G.
Protein change: p.Pro510Arg; replaces proline 510 with arginine.
Molecular consequence: missense variant.
Genome position (GRCh38, 1-based): chr11:119,285,066, C>G. VCF-style: chr11-119285066-C-G. GRCh37 (hg19) VCF-style: chr11-119155776-C-G.
Other names: c.1529C>G (NM_005188.2); short protein forms P510R.
Identifiers: ClinVar variation 934571 (VCV000934571.10), dbSNP rs776055321, ClinGen allele CA6318546.